The following is an entry in ClinVar:

NM_002878.4(RAD51D):c.58C>G (p.Leu20Val)

Genes: RAD51L3-RFFL (RAD51L3-RFFL readthrough; minus strand), RAD51D (RAD51 paralog D; minus strand). Cytogenetic location: 17q12.
Variant type: single nucleotide variant.
Coding change: c.58C>G on transcript NM_002878.4 (MANE Select); coding-DNA position 58, C replaced by G.
Protein change: p.Leu20Val; replaces leucine 20 with valine.
Molecular consequence: missense variant. On other transcripts: non-coding transcript variant (2).
Genome position (GRCh38, 1-based): chr17:35,119,556, G>C on the plus strand (C>G on the coding strand, the complement: RAD51D is on the minus strand). VCF-style: chr17-35119556-G-C. GRCh37 (hg19) VCF-style: chr17-33446575-G-C.
Other names: c.58C>G, p.Leu20Val (NM_001142571.2, NM_133629.3); short protein forms L20V.
Identifiers: ClinVar variation 3652178 (VCV003652178.3).

ClinVar aggregate classification (germline): Uncertain significance. Review status: criteria provided, multiple submitters, no conflicts (2 of 4 stars). 2 submissions from 2 submitters: Uncertain significance (2). Last evaluated 2025-03-05.

Conditions:
Hereditary cancer-predisposing syndrome. Also called: Hereditary Cancer Syndrome; Neoplastic Syndromes, Hereditary; Hereditary neoplastic syndrome; Tumor predisposition. Identifiers: Orphanet 140162, MedGen C0027672, MeSH D009386, MONDO:0015356.
Breast-ovarian cancer, familial, susceptibility to, 4. Identifiers: Orphanet 145, MedGen C3280345, MONDO:0013669, OMIM 614291.

Submissions (2):

Ambry Genetics
Classification: Uncertain significance for Hereditary cancer-predisposing syndrome. Last evaluated: 2025-03-05. Review status: criteria provided, single submitter. Criteria: Ambry Variant Classification Scheme 2023. Collection method: clinical testing. Allele origin: germline.
Comment: The p.L20V variant (also known as c.58C>G), located in coding exon 1 of the RAD51D gene, results from a C to G substitution at nucleotide position 58. The leucine at codon 20 is replaced by valine, an amino acid with highly similar properties. This amino acid position is conserved. In addition, this alteration is predicted to be tolerated by in silico analysis. Based on the available evidence, the clinical significance of this variant remains unclear.

Labcorp Genetics (formerly Invitae), Labcorp
Classification: Uncertain significance for Breast-ovarian cancer, familial, susceptibility to, 4. Last evaluated: 2024-05-11. Review status: criteria provided, single submitter. Criteria: Invitae Variant Classification Sherloc (09022015). Collection method: clinical testing. Allele origin: germline.
Comment: This sequence change replaces leucine, which is neutral and non-polar, with valine, which is neutral and non-polar, at codon 20 of the RAD51D protein (p.Leu20Val). This variant is not present in population databases (gnomAD no frequency). This variant has not been reported in the literature in individuals affected with RAD51D-related conditions. An algorithm developed to predict the effect of missense changes on protein structure and function (PolyPhen-2) suggests that this variant is likely to be disruptive. In summary, the available evidence is currently insufficient to determine the role of this variant in disease. Therefore, it has been classified as a Variant of Uncertain Significance.